The following is an entry in ClinVar:

NM_001291303.3(FAT4):c.5431T>G (p.Ser1811Ala)

Gene: FAT4 (FAT atypical cadherin 4; plus strand). Cytogenetic location: 4q28.1.
Variant type: single nucleotide variant.
Coding change: c.5431T>G on transcript NM_001291303.3 (MANE Select); coding-DNA position 5431, T replaced by G.
Protein change: p.Ser1811Ala; replaces serine 1811 with alanine.
Molecular consequence: missense variant.
Genome position (GRCh38, 1-based): chr4:125,407,003, T>G. VCF-style: chr4-125407003-T-G. GRCh37 (hg19) VCF-style: chr4-126328158-T-G.
Other names: c.5431T>G, p.Ser1811Ala (NM_001291285.3, NM_024582.6); short protein forms S1811A.
Identifiers: ClinVar variation 2119382 (VCV002119382.4), dbSNP rs773604481, ClinGen allele CA358122661.

ClinVar aggregate classification (germline): Uncertain significance (1 of 4 stars; one submission).

Submission:

Labcorp Genetics (formerly Invitae), Labcorp
Classification: Uncertain significance. Last evaluated: 2023-11-27. Review status: criteria provided, single submitter. Criteria: Invitae Variant Classification Sherloc (09022015). Collection method: clinical testing. Allele origin: germline.
Comment: This sequence change replaces serine, which is neutral and polar, with alanine, which is neutral and non-polar, at codon 1811 of the FAT4 protein (p.Ser1811Ala). This variant is not present in population databases (gnomAD no frequency). This variant has not been reported in the literature in individuals affected with FAT4-related conditions. ClinVar contains an entry for this variant (Variation ID: 2119382). Advanced modeling of protein sequence and biophysical properties (such as structural, functional, and spatial information, amino acid conservation, physicochemical variation, residue mobility, and thermodynamic stability) performed at Invitae indicates that this missense variant is not expected to disrupt FAT4 protein function with a negative predictive value of 80%. In summary, the available evidence is currently insufficient to determine the role of this variant in disease. Therefore, it has been classified as a Variant of Uncertain Significance.